The following is an entry in ClinVar:

NM_001365951.3(KIF1B):c.161A>G (p.Tyr54Cys)

Gene: KIF1B (kinesin family member 1B; plus strand). Cytogenetic location: 1p36.22.
Variant type: single nucleotide variant.
Coding change: c.161A>G on transcript NM_001365951.3 (MANE Select); coding-DNA position 161, A replaced by G.
Protein change: p.Tyr54Cys; replaces tyrosine 54 with cysteine.
Molecular consequence: missense variant.
Genome position (GRCh38, 1-based): chr1:10,256,301, A>G. VCF-style: chr1-10256301-A-G. GRCh37 (hg19) VCF-style: chr1-10316359-A-G.
Other names: c.161A>G, p.Tyr54Cys (NM_001365952.1, NM_001365953.1, NM_015074.3 and 1 more transcripts); short protein forms Y54C.
Identifiers: ClinVar variation 1776562 (VCV001776562.9), dbSNP rs762856679, ClinGen allele CA580626.

ClinVar aggregate classification (germline): Uncertain significance. Review status: criteria provided, multiple submitters, no conflicts (2 of 4 stars). 2 submissions from 2 submitters: Uncertain significance (2). Last evaluated 2026-01-24.

Conditions:
Charcot-Marie-Tooth disease type 2. Also called: Charcot-Marie-Tooth type 2. Identifiers: Orphanet 64746, MedGen C0270914, MONDO:0018993.

Allele frequency attached by ClinVar (database versions not stated): ExAC 0.00001; TOPMed 0.00001; gnomAD exomes 0.00002.
gnomAD v4.1: 34 of 1,611,434 alleles (0.0021%); highest among the groups gnomAD compares: Non-Finnish European, 0.0025%; no homozygotes.

Submissions (2):

Labcorp Genetics (formerly Invitae), Labcorp
Classification: Uncertain significance for Charcot-Marie-Tooth disease type 2. Last evaluated: 2026-01-24. Review status: criteria provided, single submitter. Criteria: Invitae Variant Classification Sherloc (09022015). Collection method: clinical testing. Allele origin: germline.
Comment: This sequence change replaces tyrosine, which is neutral and polar, with cysteine, which is neutral and slightly polar, at codon 54 of the KIF1B protein (p.Tyr54Cys). This variant is present in population databases (rs762856679, gnomAD 0.002%). This variant has not been reported in the literature in individuals affected with KIF1B-related conditions. ClinVar contains an entry for this variant (Variation ID: 1776562). Invitae Evidence Modeling of protein sequence and biophysical properties (such as structural, functional, and spatial information, amino acid conservation, physicochemical variation, residue mobility, and thermodynamic stability) indicates that this missense variant is expected to disrupt KIF1B protein function with a positive predictive value of 80%. In summary, the available evidence is currently insufficient to determine the role of this variant in disease. Therefore, it has been classified as a Variant of Uncertain Significance.

Ambry Genetics
Classification: Uncertain significance. Last evaluated: 2025-03-07. Review status: criteria provided, single submitter. Criteria: Ambry Variant Classification Scheme 2023. Collection method: clinical testing. Allele origin: germline.